The following is an entry in ClinVar:

NM_001352514.2(HLCS):c.1621-2A>G

Gene: HLCS (holocarboxylase synthetase; minus strand). Cytogenetic location: 21q22.13.
Variant type: single nucleotide variant.
Coding change: c.1621-2A>G on transcript NM_001352514.2 (MANE Select); the canonical splice acceptor site of the intron before coding-DNA position 1621, A replaced by G.
Molecular consequence: splice acceptor variant.
Genome position (GRCh38, 1-based): chr21:36,897,133, T>C on the plus strand (A>G on the coding strand, the complement: HLCS is on the minus strand). VCF-style: chr21-36897133-T-C. GRCh37 (hg19) VCF-style: chr21-38269433-T-C.
Other names: c.1180-2A>G (NM_001352517.1, NM_001242785.2, NM_001352515.2 and 4 more transcripts).
Identifiers: ClinVar variation 553797 (VCV000553797.9), dbSNP rs750728042, ClinGen allele CA320769086.

ClinVar aggregate classification (germline): Likely pathogenic. Review status: criteria provided, multiple submitters, no conflicts (2 of 4 stars). 5 submissions from 5 submitters: Likely pathogenic (4). 1 of the submissions does not count toward it. Last evaluated 2024-12-16.

Conditions:
Holocarboxylase synthetase deficiency. Also called: MULTIPLE CARBOXYLASE DEFICIENCY, EARLY ONSET. Identifiers: Orphanet 79242, MedGen C0268581, MONDO:0009666, OMIM 253270.

Allele frequency attached by ClinVar (database versions not stated): gnomAD 0.00001; gnomAD exomes 0.00001.
gnomAD v4.1: 3 of 1,614,006 alleles (0.00019%); highest among the groups gnomAD compares: Admixed American, 0.005%; no homozygotes.

Submissions (5):

Dasa
Classification: Likely pathogenic for Holocarboxylase synthetase deficiency. Last evaluated: 2024-12-16. Review status: criteria provided, single submitter. Criteria: DASA Assertion Criteria. Collection method: clinical testing. Allele origin: germline.
Comment: NM_001352514.2(HLCS):c.1621-2A>G affects a canonical splice site and is predicted to disrupt normal RNA splicing. Loss of function is an established disease mechanism for HLCS-associated disorders. Also, this variant is rare in population databases. Based on the currently available evidence, this variant is classified as likely pathogenic.

Labcorp Genetics (formerly Invitae), Labcorp
Classification: Likely pathogenic for Holocarboxylase synthetase deficiency. Last evaluated: 2024-03-25. Review status: criteria provided, single submitter. Criteria: Invitae Variant Classification Sherloc (09022015). Collection method: clinical testing. Allele origin: germline.
Comment: This sequence change affects an acceptor splice site in intron 6 of the HLCS gene. It is expected to disrupt RNA splicing. Variants that disrupt the donor or acceptor splice site typically lead to a loss of protein function (PMID: 16199547), and loss-of-function variants in HLCS are known to be pathogenic (PMID: 16134170). This variant is present in population databases (rs750728042, gnomAD 0.009%). This variant has not been reported in the literature in individuals affected with HLCS-related conditions. ClinVar contains an entry for this variant (Variation ID: 553797). Algorithms developed to predict the effect of sequence changes on RNA splicing suggest that this variant may disrupt the consensus splice site. In summary, the currently available evidence indicates that the variant is pathogenic, but additional data are needed to prove that conclusively. Therefore, this variant has been classified as Likely Pathogenic.

Fulgent Genetics
Classification: Likely pathogenic for Holocarboxylase synthetase deficiency. Last evaluated: 2024-02-23. Review status: criteria provided, single submitter. Criteria: ACMG Guidelines, 2015. Collection method: clinical testing. Allele origin: germline.

Baylor Genetics
Classification: Likely pathogenic for Holocarboxylase synthetase deficiency. Last evaluated: 2024-02-12. Review status: criteria provided, single submitter. Criteria: ACMG Guidelines, 2015. Collection method: clinical testing. Allele origin: unknown.

Counsyl
Classification: Likely pathogenic for Holocarboxylase synthetase deficiency. Last evaluated: 2017-09-07. Review status: no assertion criteria provided. Collection method: clinical testing. Allele origin: unknown. Not counted in ClinVar's aggregate classification.

Literature cited by the submitters: PubMed 16199547 (cited by Labcorp Genetics (formerly Invitae), Labcorp); PubMed 16134170 (cited by Labcorp Genetics (formerly Invitae), Labcorp).